The following is an entry in ClinVar:

NM_000245.4(MET):c.4009A>G (p.Ile1337Val)

Gene: MET (MET proto-oncogene, receptor tyrosine kinase; plus strand). Cytogenetic location: 7q31.2.
Variant type: single nucleotide variant.
Coding change: c.4009A>G on transcript NM_000245.4 (MANE Select); coding-DNA position 4009, A replaced by G.
Protein change: p.Ile1337Val; replaces isoleucine 1337 with valine.
Molecular consequence: missense variant.
Genome position (GRCh38, 1-based): chr7:116,795,960, A>G. VCF-style: chr7-116795960-A-G. GRCh37 (hg19) VCF-style: chr7-116436014-A-G.
Other names: c.4063A>G, p.Ile1355Val (NM_001127500.3); c.2719A>G, p.Ile907Val (NM_001324402.2); short protein forms I1337V, I1355V, I907V.
Identifiers: ClinVar variation 2710600 (VCV002710600.3), dbSNP rs771436236, ClinGen allele CA4448819.
Genomic context (GRCh38, chr7:116,795,960, plus strand): 5'-CTAAAATGCTGGCACCCTAAAGCCGAAATGCGCCCATCCTTTTCTGAACTGGTGTCCCGG[A>G]TATCAGCGATCTTCTCTACTTTCATTGGGGAGCACTATGTCCATGTGAACGCTACTTATG-3'
Protein context (NP_000236.2, residues 1327-1347): RPSFSELVSR[Ile1337Val]SAIFSTFIGE

ClinVar aggregate classification (germline): Uncertain significance (1 of 4 stars; one submission).

Conditions:
Renal cell carcinoma. Identifiers: Orphanet 217071, MedGen C0007134, MeSH D002292, MONDO:0005086, HP:0005584.

Allele frequency attached by ClinVar (database versions not stated): ExAC 0.00001; gnomAD exomes 0.00001.
gnomAD v4.1: 10 of 1,614,190 alleles (0.00062%); highest among the groups gnomAD compares: South Asian, 0.0099%; no homozygotes.

Submission:

Labcorp Genetics (formerly Invitae), Labcorp
Classification: Uncertain significance for Renal cell carcinoma. Last evaluated: 2024-05-13. Review status: criteria provided, single submitter. Criteria: Invitae Variant Classification Sherloc (09022015). Collection method: clinical testing. Allele origin: germline.
Comment: This sequence change replaces isoleucine, which is neutral and non-polar, with valine, which is neutral and non-polar, at codon 1355 of the MET protein (p.Ile1355Val). This variant is present in population databases (rs771436236, gnomAD 0.003%). This variant has not been reported in the literature in individuals affected with MET-related conditions. Advanced modeling of protein sequence and biophysical properties (such as structural, functional, and spatial information, amino acid conservation, physicochemical variation, residue mobility, and thermodynamic stability) performed at Invitae indicates that this missense variant is not expected to disrupt MET protein function with a negative predictive value of 80%. In summary, the available evidence is currently insufficient to determine the role of this variant in disease. Therefore, it has been classified as a Variant of Uncertain Significance.